The following is an entry in ClinVar:

NM_002968.3(SALL1):c.2409dup (p.Glu804Ter)

Gene: SALL1 (spalt like transcription factor 1; minus strand). Cytogenetic location: 16q12.1.
Variant type: Duplication.
Coding change: c.2409dup on transcript NM_002968.3 (MANE Select); coding-DNA position 2409, one base duplicated (T; older notation c.2409dupT).
Protein change: p.Glu804Ter; replaces glutamic acid 804 with a stop codon.
Molecular consequence: nonsense.
Genome position (GRCh38, 1-based): chr16:51,139,813, A duplicated on the plus strand (T on the coding strand, the reverse complement: SALL1 is on the minus strand). VCF-style (leftmost placement, unchanged base first): chr16-51139812-C-CA. GRCh37 (hg19) VCF-style: chr16-51173723-C-CA.
Other names: c.2409dupT (NM_002968.2); c.2118dup, p.Glu707Ter (NM_001127892.2); short protein forms E707*, E804*.
Identifiers: ClinVar variation 817571 (VCV000817571.4), dbSNP rs1597229025, ClinGen allele CA645592655.
Genomic context (GRCh38, chr16:51,139,812, plus strand): 5'-AGTTGTCTAGGTCATCAAAATTTTTCTCATCAAAGGAACCTGTGTCAGACTCCATGGACT[C>CA]AGAGTAGCTGTCGGGGACTGGGGTGTTGGGGATCTGGCCTCCCATATGCATTCGGATGTG-3'

ClinVar aggregate classification (germline): Likely pathogenic (1 of 4 stars; one submission).

Submission:

GeneDx
Classification: Likely pathogenic. Last evaluated: 2022-07-18. Review status: criteria provided, single submitter. Criteria: GeneDx Variant Classification Process June 2021. Collection method: clinical testing. Allele origin: germline. Affected: yes.
Comment: Nonsense variant predicted to result in protein truncation or nonsense mediated decay in a gene for which loss-of-function is a known mechanism of disease; Not observed in large population cohorts (gnomAD); Has not been previously published as pathogenic or benign to our knowledge